The following is an entry in ClinVar:

ClinVar aggregate classification (germline): Uncertain significance. Review status: criteria provided, multiple submitters, no conflicts (2 of 4 stars). 2 submissions from 2 submitters: Uncertain significance (2). Last evaluated 2024-05-01.

Conditions:
Metachromatic leukodystrophy (MLD). Also called: Arylsulfatase A Deficiency; Cerebral sclerosis diffuse metachromatic form; ARSA DEFICIENCY; CEREBROSIDE SULFATASE DEFICIENCY; METACHROMATIC LEUKOENCEPHALOPATHY; SULFATIDE LIPIDOSIS. Identifiers: Orphanet 512, MedGen C0023522, MONDO:0018868, OMIM 250100.

Allele frequency attached by ClinVar (database versions not stated): TOPMed below 0.00001.

Submissions (2):

Women's Health and Genetics/Laboratory Corporation of America, LabCorp
Classification: Uncertain significance. Last evaluated: 2024-05-01. Review status: criteria provided, single submitter. Criteria: LabCorp Variant Classification Summary - May 2015. Collection method: clinical testing. Allele origin: germline.

Labcorp Genetics (formerly Invitae), Labcorp
Classification: Uncertain significance for Metachromatic leukodystrophy. Last evaluated: 2022-09-07. Review status: criteria provided, single submitter. Criteria: Invitae Variant Classification Sherloc (09022015). Collection method: clinical testing. Allele origin: germline.
Comment: This sequence change replaces tyrosine, which is neutral and polar, with cysteine, which is neutral and slightly polar, at codon 35 of the ARSA protein (p.Tyr35Cys). This variant is not present in population databases (gnomAD no frequency). In summary, the available evidence is currently insufficient to determine the role of this variant in disease. Therefore, it has been classified as a Variant of Uncertain Significance. Advanced modeling of protein sequence and biophysical properties (such as structural, functional, and spatial information, amino acid conservation, physicochemical variation, residue mobility, and thermodynamic stability) performed at Invitae indicates that this missense variant is expected to disrupt ARSA protein function. ClinVar contains an entry for this variant (Variation ID: 1479591). This variant has not been reported in the literature in individuals affected with ARSA-related conditions.

NM_000487.6(ARSA):c.104A>G (p.Tyr35Cys)

Gene: ARSA (arylsulfatase A; minus strand). Cytogenetic location: 22q13.33.
Variant type: single nucleotide variant.
Coding change: c.104A>G on transcript NM_000487.6 (MANE Select); coding-DNA position 104, A replaced by G.
Protein change: p.Tyr35Cys; replaces tyrosine 35 with cysteine.
Molecular consequence: missense variant. On other transcripts: intron variant (2).
Genome position (GRCh38, 1-based): chr22:50,627,676, T>C on the plus strand (A>G on the coding strand, the complement: ARSA is on the minus strand). VCF-style: chr22-50627676-T-C. GRCh37 (hg19) VCF-style: chr22-51066104-T-C.
Other names: c.104A>G, p.Tyr35Cys (NM_001085425.3, NM_001085426.3, NM_001085427.3); c.-34-270A>G (NM_001362782.2); c.-35+270A>G (NM_001085428.3); short protein forms Y35C.
Identifiers: ClinVar variation 1479591 (VCV001479591.7), dbSNP rs74315268, ClinGen allele CA412183139.